The following is an entry in ClinVar:

ClinVar aggregate classification (germline): Benign/Likely benign. Review status: criteria provided, multiple submitters, no conflicts (2 of 4 stars). 5 submissions from 5 submitters: Benign (1); Likely benign (2). 2 of the submissions do not count toward it. Last evaluated 2026-04-01.

Conditions:
Syndromic multisystem autoimmune disease due to ITCH deficiency. Also called: AUTOIMMUNE DISEASE, MULTISYSTEM, WITH FACIAL DYSMORPHISM. Identifiers: Orphanet 228426, MedGen C3150649, MONDO:0013245, OMIM 613385.

Allele frequency attached by ClinVar (database versions not stated): 1000 Genomes Project 30x 0.00016; 1000 Genomes Project 0.00020; TOPMed 0.00091; gnomAD 0.00136 and 0.00143; ExAC 0.00148; gnomAD exomes 0.00149; ESP Exome Variant Server 0.00154.
gnomAD v4.1: 2,609 of 1,614,012 alleles (0.16%); highest among the groups gnomAD compares: Non-Finnish European, 0.17%; 1 homozygote.

Submissions (5):

CeGaT Center for Human Genetics Tuebingen
Classification: Likely benign. Last evaluated: 2026-04-01. Review status: criteria provided, single submitter. Criteria: CeGaT Center For Human Genetics Tuebingen Variant Classification Criteria Version 2. Collection method: clinical testing. Allele origin: germline. Affected: yes. Observed: 4 variant alleles.
Comment: ITCH: BP4, BP7

Labcorp Genetics (formerly Invitae), Labcorp
Classification: Benign for Syndromic multisystem autoimmune disease due to ITCH deficiency. Last evaluated: 2026-02-01. Review status: criteria provided, single submitter. Criteria: Invitae Variant Classification Sherloc (09022015). Collection method: clinical testing. Allele origin: germline.

Blueprint Genetics
Classification: Likely benign. Last evaluated: 2024-11-06. Review status: criteria provided, single submitter. Criteria: ACMG Guidelines, 2015. Collection method: clinical testing. Allele origin: germline.

Clinical Genetics DNA and cytogenetics Diagnostics Lab, Erasmus MC, Erasmus Medical Center
Classification: Likely benign. Review status: no assertion criteria provided. Collection method: clinical testing. Allele origin: germline. Affected: yes. Study: VKGL Data-share Consensus. Not counted in ClinVar's aggregate classification.

Genome Diagnostics Laboratory, University Medical Center Utrecht
Classification: Likely benign. Review status: no assertion criteria provided. Collection method: clinical testing. Allele origin: germline. Affected: yes. Study: VKGL Data-share Consensus. Not counted in ClinVar's aggregate classification.

NM_031483.7(ITCH):c.2271C>T (p.Ile757=)

Gene: ITCH (itchy E3 ubiquitin protein ligase; plus strand). Cytogenetic location: 20q11.22.
Variant type: single nucleotide variant.
Coding change: c.2271C>T on transcript NM_031483.7 (MANE Select); coding-DNA position 2271, C replaced by T.
Protein change: p.Ile757=; no amino-acid change (isoleucine 757 retained).
Molecular consequence: synonymous variant.
Genome position (GRCh38, 1-based): chr20:34,489,878, C>T. VCF-style: chr20-34489878-C-T. GRCh37 (hg19) VCF-style: chr20-33077683-C-T.
Other names: c.2394C>T, p.Ile798= (NM_001257137.3, NM_001324197.2); c.1941C>T, p.Ile647= (NM_001257138.3); c.2271C>T, p.Ile757= (NM_001324198.2).
Identifiers: ClinVar variation 785314 (VCV000785314.21), dbSNP rs56366303, ClinGen allele CA9821931.
Genomic context (GRCh38, chr20:34,489,878, plus strand): 5'-AAAGGTCCTTTTATGTGGAATGCAAGAGATTGATTTGAATGACTGGCAAAGACATGCCAT[C>T]TACCGTCATTATGCAAGGACCAGCAAACAAATCATGTGGTTTTGGCAGGTTTGTTTTTAA-3'
Protein context (NP_113671.3, residues 747-767): IDLNDWQRHA[Ile757=]YRHYARTSKQ